The following is an entry in ClinVar:

NM_000135.4(FANCA):c.2098T>A (p.Ser700Thr)

Gene: FANCA (FA complementation group A; minus strand). Cytogenetic location: 16q24.3.
Variant type: single nucleotide variant.
Coding change: c.2098T>A on transcript NM_000135.4 (MANE Select); coding-DNA position 2098, T replaced by A.
Protein change: p.Ser700Thr; replaces serine 700 with threonine.
Molecular consequence: missense variant.
Genome position (GRCh38, 1-based): chr16:89,771,731, A>T on the plus strand (T>A on the coding strand, the complement: FANCA is on the minus strand). VCF-style: chr16-89771731-A-T. GRCh37 (hg19) VCF-style: chr16-89838139-A-T.
Other names: c.2098T>A, p.Ser700Thr (NM_001286167.3); c.2098T>A (NM_000135.2); short protein forms S700T.
Identifiers: ClinVar variation 1005121 (VCV001005121.9), dbSNP rs767631694, ClinGen allele CA8251910.
Genomic context (GRCh38, chr16:89,771,731, plus strand): 5'-CACCTACCATGTGTTCCCGTGGCTCCAGTCTCGGCGTGTTGATGCTGAGCTGAATCTTTG[A>T]TATCTCAACGCTGCTGTCATCCTCATTGTGGCCCAGGACAGCCCTCAGTCTTTCAGAAAT-3'
Protein context (NP_000126.2, residues 690-710): HNEDDSSVEI[Ser700Thr]KIQLSINTPR

ClinVar aggregate classification (germline): Uncertain significance. Review status: criteria provided, multiple submitters, no conflicts (2 of 4 stars). 3 submissions from 3 submitters: Uncertain significance (2). 1 of the submissions does not count toward it. Last evaluated 2025-10-21.

Conditions:
Inborn genetic diseases. Identifiers: MedGen C0950123, MeSH D030342.
Fanconi anemia (FA). Also called: Fanconi's anemia. Identifiers: Orphanet 84, MedGen C0015625, MeSH D005199, MONDO:0019391.

Allele frequency attached by ClinVar (database versions not stated): ExAC 0.00001.
gnomAD v4.1: 7 of 1,613,970 alleles (0.00043%); highest among the groups gnomAD compares: Non-Finnish European, 0.00051%; no homozygotes.

Submissions (3):

Labcorp Genetics (formerly Invitae), Labcorp
Classification: Uncertain significance for Fanconi anemia. Last evaluated: 2025-10-21. Review status: criteria provided, single submitter. Criteria: Invitae Variant Classification Sherloc (09022015). Collection method: clinical testing. Allele origin: germline.
Comment: This sequence change replaces serine, which is neutral and polar, with threonine, which is neutral and polar, at codon 700 of the FANCA protein (p.Ser700Thr). This variant is present in population databases (rs767631694, gnomAD 0.0009%). This variant has not been reported in the literature in individuals affected with FANCA-related conditions. ClinVar contains an entry for this variant (Variation ID: 1005121). Invitae Evidence Modeling of protein sequence and biophysical properties (such as structural, functional, and spatial information, amino acid conservation, physicochemical variation, residue mobility, and thermodynamic stability) indicates that this missense variant is not expected to disrupt FANCA protein function with a negative predictive value of 95%. In summary, the available evidence is currently insufficient to determine the role of this variant in disease. Therefore, it has been classified as a Variant of Uncertain Significance.

Ambry Genetics
Classification: Uncertain significance for Inborn genetic diseases. Last evaluated: 2025-08-05. Review status: criteria provided, single submitter. Criteria: Ambry Variant Classification Scheme 2023. Collection method: clinical testing. Allele origin: germline.

Natera, Inc.
Classification: Uncertain significance for Fanconi anemia. Last evaluated: 2020-04-29. Review status: no assertion criteria provided. Collection method: clinical testing. Allele origin: germline. Not counted in ClinVar's aggregate classification.